The following is an entry in ClinVar:

ClinVar aggregate classification (germline): Uncertain significance (1 of 4 stars; one submission).

Conditions:
Immunodeficiency. Identifiers: MedGen C0021051, MONDO:0021094, HP:0002721.

Allele frequency attached by ClinVar (database versions not stated): gnomAD 0.00001; TOPMed 0.00002.
gnomAD v4.1: 31 of 1,613,738 alleles (0.0019%); highest among the groups gnomAD compares: Non-Finnish European, 0.0025%; no homozygotes.

Submission:

Labcorp Genetics (formerly Invitae), Labcorp
Classification: Uncertain significance for Immunodeficiency. Last evaluated: 2026-01-20. Review status: criteria provided, single submitter. Criteria: Invitae Variant Classification Sherloc (09022015). Collection method: clinical testing. Allele origin: germline.
Comment: This sequence change replaces threonine, which is neutral and polar, with alanine, which is neutral and non-polar, at codon 22 of the NFAT5 protein (p.Thr22Ala). This variant is present in population databases (no rsID available, gnomAD 0.007%). This variant has not been reported in the literature in individuals affected with NFAT5-related conditions. ClinVar contains an entry for this variant (Variation ID: 1044496). An algorithm developed to predict the effect of missense changes on protein structure and function (PolyPhen-2) suggests that this variant is likely to be disruptive. In summary, the available evidence is currently insufficient to determine the role of this variant in disease. Therefore, it has been classified as a Variant of Uncertain Significance.

NM_138713.4(NFAT5):c.346A>G (p.Thr116Ala)

Gene: NFAT5 (nuclear factor of activated T cells 5; plus strand). Cytogenetic location: 16q22.1.
Variant type: single nucleotide variant.
Coding change: c.346A>G on transcript NM_138713.4 (MANE Select); coding-DNA position 346, A replaced by G.
Protein change: p.Thr116Ala; replaces threonine 116 with alanine.
Molecular consequence: missense variant. On other transcripts: synonymous variant (1).
Genome position (GRCh38, 1-based): chr16:69,647,120, A>G. VCF-style: chr16-69647120-A-G. GRCh37 (hg19) VCF-style: chr16-69681023-A-G.
Other names: c.346A>G, p.Thr116Ala (NM_001113178.3); c.93A>G, p.Ser31= (NM_001367709.1); c.292A>G, p.Thr98Ala (NM_006599.4); c.64A>G, p.Thr22Ala (NM_138714.4, NM_173214.3, NM_173215.3); short protein forms T98A, T116A, T22A.
Identifiers: ClinVar variation 1044496 (VCV001044496.8), dbSNP rs1042925684, ClinGen allele CA283342722.